The following is an entry in ClinVar:

ClinVar aggregate classification (germline): Uncertain significance (1 of 4 stars; one submission).

Submission:

GeneDx
Classification: Uncertain significance. Last evaluated: 2022-12-20. Review status: criteria provided, single submitter. Criteria: GeneDx Variant Classification Process June 2021. Collection method: clinical testing. Allele origin: germline. Affected: yes.
Comment: Not observed at significant frequency in large population cohorts (gnomAD); In silico analysis supports that this missense variant has a deleterious effect on protein structure/function; Has not been previously published as pathogenic or benign to our knowledge

NM_006186.4(NR4A2):c.1235G>T (p.Gly412Val)

Gene: NR4A2 (nuclear receptor subfamily 4 group A member 2; minus strand). Cytogenetic location: 2q24.1.
Variant type: single nucleotide variant.
Coding change: c.1235G>T on transcript NM_006186.4 (MANE Select); coding-DNA position 1235, G replaced by T.
Protein change: p.Gly412Val; replaces glycine 412 with valine.
Molecular consequence: missense variant.
Genome position (GRCh38, 1-based): chr2:156,326,844, C>A on the plus strand (G>T on the coding strand, the complement: NR4A2 is on the minus strand). VCF-style: chr2-156326844-C-A. GRCh37 (hg19) VCF-style: chr2-157183356-C-A.
Other names: c.1046G>T, p.Gly349Val (NM_173173.3); short protein forms G349V, G412V.
Identifiers: ClinVar variation 2506742 (VCV002506742.1), dbSNP rs1573812725, ClinGen allele CA348680643.
Genomic context (GRCh38, chr2:156,326,844, plus strand): 5'-TTGGGCAGGTCTGCGAAGCCAGGGATCTTCTCTGCCCAGCCCCGGATGATCTCCATGGAG[C>A]CAGTCAGGAGATCATAGAATTGCTGGATATGCTGGGTGTCATCTCCACTCATTTGATAGT-3'
Protein context (NP_006177.1, residues 402-422): HIQQFYDLLT[Gly412Val]SMEIIRGWAE